The following is an entry in ClinVar:

NM_001101.5(ACTB):c.307G>A (p.Val103Met)

Gene: ACTB (actin beta; minus strand). Cytogenetic location: 7p22.1.
Variant type: single nucleotide variant.
Coding change: c.307G>A on transcript NM_001101.5 (MANE Select); coding-DNA position 307, G replaced by A.
Protein change: p.Val103Met; replaces valine 103 with methionine.
Molecular consequence: missense variant.
Genome position (GRCh38, 1-based): chr7:5,529,217, C>T on the plus strand (G>A on the coding strand, the complement: ACTB is on the minus strand). VCF-style: chr7-5529217-C-T. GRCh37 (hg19) VCF-style: chr7-5568848-C-T.
Other names: c.307G>A (LRG_132t1); short protein forms V103M.
Identifiers: ClinVar variation 418803 (VCV000418803.2), dbSNP rs587779772, ClinGen allele CA16618482.
Genomic context (GRCh38, chr7:5,529,217, plus strand): 5'-TCACCTGGGTCATCTTCTCGCGGTTGGCCTTGGGGTTCAGGGGGGCCTCGGTCAGCAGCA[C>T]GGGGTGCTCCTCGGGAGCCACACGCAGCTCATTGTAGAAGGTGTGGTGCCAGATTTTCTC-3'
Protein context (NP_001092.1, residues 93-113): ELRVAPEEHP[Val103Met]LLTEAPLNPK

ClinVar aggregate classification (germline): Uncertain significance (1 of 4 stars; one submission).

Submission:

GeneDx
Classification: Uncertain significance. Last evaluated: 2018-12-20. Review status: criteria provided, single submitter. Criteria: GeneDx Variant Classification (06012015). Collection method: clinical testing. Allele origin: germline. Affected: yes.
Comment: The V103M variant in the ACTB gene has not been reported previously as a pathogenic variant, nor as a benign variant, to our knowledge. The V103M variant is not observed in large population cohorts (Lek et al., 2016; 1000 Genomes Consortium et al., 2015; Exome Variant Server). The V103M variant is a conservative amino acid substitution, which is not likely to impact secondary protein structure as these residues share similar properties. This substitution occurs at a position that is conserved across species. In silico analysis is inconsistent in its predictions as to whether or not the variant is damaging to the protein structure/function. A missense variant in the same residue (V103L) has been reported in the heterozygous state in an individual diagnosed with Baraitser-Winter Cerebrofrontofacial syndrome, supporting the functional importance of this region of the protein (Verloes et al., 2015). Therefore, we interpret V103M as a variant of uncertain significance.